The following is an entry in ClinVar:

NM_001148.6(ANK2):c.4181A>C (p.Lys1394Thr)

Gene: ANK2 (ankyrin 2; plus strand). Cytogenetic location: 4q26.
Variant type: single nucleotide variant.
Coding change: c.4181A>C on transcript NM_001148.6 (MANE Select); coding-DNA position 4181, A replaced by C.
Protein change: p.Lys1394Thr; replaces lysine 1394 with threonine.
Molecular consequence: missense variant.
Genome position (GRCh38, 1-based): chr4:113,343,075, A>C. VCF-style: chr4-113343075-A-C. GRCh37 (hg19) VCF-style: chr4-114264231-A-C.
Other names: c.4154A>C, p.Lys1385Thr (NM_001127493.3); c.4193A>C, p.Lys1398Thr (NM_001354225.2); c.4082A>C, p.Lys1361Thr (NM_001354228.2, NM_001354258.2); c.4160A>C, p.Lys1387Thr (NM_001354230.2); c.4223A>C, p.Lys1408Thr (NM_001354231.2, NM_001354242.2); c.4217A>C, p.Lys1406Thr (NM_001354232.2); c.4178A>C, p.Lys1393Thr (NM_001354235.2, NM_001354246.2, NM_001354265.2); c.4079A>C, p.Lys1360Thr (NM_001354236.2); and 31 more; short protein forms K1294T, K1340T, K1347T, K1351T, K1360T, K1384T, K1406T, K1420T.
Identifiers: ClinVar variation 664588 (VCV000664588.6), dbSNP rs1588650941, ClinGen allele CA357911174.

ClinVar aggregate classification (germline): Uncertain significance. Review status: criteria provided, multiple submitters, no conflicts (2 of 4 stars). 2 submissions from 2 submitters: Uncertain significance (2). Last evaluated 2026-08-03.

Conditions:
Long QT syndrome (LQTS). Identifiers: MedGen C0023976, MeSH D008133, MONDO:0002442. Disease mechanism: loss of function. Inheritance: Various modes of inheritance.
Cardiovascular phenotype. Identifiers: MedGen CN230736.

Submissions (2):

Ambry Genetics
Classification: Uncertain significance for Cardiovascular phenotype. Last evaluated: 2026-08-03. Review status: criteria provided, single submitter. Criteria: Ambry Variant Classification Scheme 2023. Collection method: clinical testing. Allele origin: germline.
Comment: The p.K1394T variant (also known as c.4181A>C), located in coding exon 34 of the ANK2 gene, results from an A to C substitution at nucleotide position 4181. The lysine at codon 1394 is replaced by threonine, an amino acid with similar properties. This amino acid position is conserved. In addition, this alteration is predicted to be deleterious by in silico analysis. Based on the available evidence, the clinical significance of this variant remains unclear.

Labcorp Genetics (formerly Invitae), Labcorp
Classification: Uncertain significance for Long QT syndrome. Last evaluated: 2018-11-07. Review status: criteria provided, single submitter. Criteria: Invitae Variant Classification Sherloc (09022015). Collection method: clinical testing. Allele origin: germline.
Comment: This sequence change replaces lysine with threonine at codon 1394 of the ANK2 protein (p.Lys1394Thr). The lysine residue is highly conserved and there is a moderate physicochemical difference between lysine and threonine. This variant is not present in population databases (ExAC no frequency). In summary, the available evidence is currently insufficient to determine the role of this variant in disease. Therefore, it has been classified as a Variant of Uncertain Significance. Algorithms developed to predict the effect of missense changes on protein structure and function (SIFT, PolyPhen-2, Align-GVGD) all suggest that this variant is likely to be disruptive, but these predictions have not been confirmed by published functional studies and their clinical significance is uncertain. This variant has not been reported in the literature in individuals with ANK2-related disease.